The following is an entry in ClinVar:

NM_000038.6(APC):c.744C>G (p.Asn248Lys)

Gene: APC (APC regulator of Wnt signaling pathway; plus strand). Cytogenetic location: 5q22.2.
Variant type: single nucleotide variant.
Coding change: c.744C>G on transcript NM_000038.6 (MANE Select); coding-DNA position 744, C replaced by G.
Protein change: p.Asn248Lys; replaces asparagine 248 with lysine.
Molecular consequence: missense variant. On other transcripts: 5 prime UTR variant (1).
Genome position (GRCh38, 1-based): chr5:112,801,293, C>G. VCF-style: chr5-112801293-C-G. GRCh37 (hg19) VCF-style: chr5-112136990-C-G.
Other names: c.744C>G, p.Asn248Lys (NM_001127510.3, NM_001354895.2, NM_001354896.2 and 1 more transcripts); c.690C>G, p.Asn230Lys (NM_001127511.3); c.774C>G, p.Asn258Lys (NM_001354897.2, NM_001354902.2); c.669C>G, p.Asn223Lys (NM_001354898.2, NM_001354904.2); c.660C>G, p.Asn220Lys (NM_001354899.2); c.567C>G, p.Asn189Lys (NM_001354900.2, NM_001354901.2, NM_001354905.2); c.-292C>G (NM_001354906.2); short protein forms N248K, N230K, N220K, N189K, N223K, N258K.
Identifiers: ClinVar variation 574462 (VCV000574462.10), dbSNP rs747634179, ClinGen allele CA16022958.

ClinVar aggregate classification (germline): Uncertain significance (1 of 4 stars; one submission).

Conditions:
Familial adenomatous polyposis 1 (FAP1). Also called: POLYPOSIS, ADENOMATOUS INTESTINAL; FAMILIAL ADENOMATOUS POLYPOSIS 1, ATTENUATED. Identifiers: MedGen C2713442, MONDO:0021056, OMIM 175100. Disease mechanism: loss of function.

Submission:

Labcorp Genetics (formerly Invitae), Labcorp
Classification: Uncertain significance for Familial adenomatous polyposis 1. Last evaluated: 2018-06-19. Review status: criteria provided, single submitter. Criteria: Invitae Variant Classification Sherloc (09022015). Collection method: clinical testing. Allele origin: germline.
Comment: In summary, the available evidence is currently insufficient to determine the role of this variant in disease. Therefore, it has been classified as a Variant of Uncertain Significance. Algorithms developed to predict the effect of missense changes on protein structure and function (SIFT, PolyPhen-2, Align-GVGD) all suggest that this variant is likely to be tolerated, but these predictions have not been confirmed by published functional studies and their clinical significance is uncertain. This variant has not been reported in the literature in individuals with APC-related disease. This variant is not present in population databases (ExAC no frequency). This sequence change replaces asparagine with lysine at codon 248 of the APC protein (p.Asn248Lys). The asparagine residue is weakly conserved and there is a moderate physicochemical difference between asparagine and lysine.